The following is an entry in ClinVar:

NM_001852.4(COL9A2):c.-52C>A

Gene: COL9A2 (collagen type IX alpha 2 chain; minus strand). Cytogenetic location: 1p34.2.
Variant type: single nucleotide variant.
Coding change: c.-52C>A on transcript NM_001852.4 (MANE Select); 52 bases upstream of the start codon, C replaced by A.
Molecular consequence: 5 prime UTR variant.
Genome position (GRCh38, 1-based): chr1:40,317,249, G>T on the plus strand (C>A on the coding strand, the complement: COL9A2 is on the minus strand). VCF-style: chr1-40317249-G-T. GRCh37 (hg19) VCF-style: chr1-40782921-G-T.
Identifiers: ClinVar variation 4979740 (VCV004979740.1).

ClinVar aggregate classification (germline): Likely benign (1 of 4 stars; one submission).

Conditions:
COL9A2-related disorder. Also called: COL9A2-related condition.

gnomAD v4.1: 177 of 1,449,322 alleles (0.012%); highest among the groups gnomAD compares: Non-Finnish European, 0.016%; no homozygotes.

Submission:

PreventionGenetics, part of Exact Sciences
Classification: Likely benign for COL9A2-related condition. Last evaluated: 2026-07-07. Review status: criteria provided, single submitter. Criteria: ACMG Guidelines, 2015. Collection method: clinical testing. Allele origin: germline.
Comment: This variant is classified as likely benign based on ACMG/AMP sequence variant interpretation guidelines (Richards et al. 2015 PMID: 25741868, with internal and published modifications).